The following is an entry in ClinVar:

NM_015909.4(NBAS):c.5549G>A (p.Trp1850Ter)

Gene: NBAS (NBAS subunit of NRZ tethering complex; minus strand). Cytogenetic location: 2p24.3.
Variant type: single nucleotide variant.
Coding change: c.5549G>A on transcript NM_015909.4 (MANE Select); coding-DNA position 5549, G replaced by A.
Protein change: p.Trp1850Ter; replaces tryptophan 1850 with a stop codon.
Molecular consequence: nonsense. On other transcripts: non-coding transcript variant (1).
Genome position (GRCh38, 1-based): chr2:15,275,659, C>T on the plus strand (G>A on the coding strand, the complement: NBAS is on the minus strand). VCF-style: chr2-15275659-C-T. GRCh37 (hg19) VCF-style: chr2-15415783-C-T.
Other names: short protein forms W1850*.
Identifiers: ClinVar variation 3623524 (VCV003623524.2).
Genomic context (GRCh38, chr2:15,275,659, plus strand): 5'-GAAGAGCCTGGGACTTGTTTAATGAGATGAGGGTCTCCAGTCCAGAACAACTTCTGTAAC[C>T]AGATGGTGTACAGAGAGCTTGGGGAAAGCATCTGTCCATCCTTTTCAGGGATTTTGGGAA-3'

ClinVar aggregate classification (germline): Pathogenic (1 of 4 stars; one submission).

Submission:

Labcorp Genetics (formerly Invitae), Labcorp
Classification: Pathogenic. Last evaluated: 2024-12-15. Review status: criteria provided, single submitter. Criteria: Invitae Variant Classification Sherloc (09022015). Collection method: clinical testing. Allele origin: germline.
Comment: This sequence change creates a premature translational stop signal (p.Trp1850*) in the NBAS gene. It is expected to result in an absent or disrupted protein product. Loss-of-function variants in NBAS are known to be pathogenic (PMID: 26073778, 26541327, 27789416, 28031453). This variant is not present in population databases (gnomAD no frequency). This variant has not been reported in the literature in individuals affected with NBAS-related conditions. For these reasons, this variant has been classified as Pathogenic.

Literature cited by the submitters: PubMed 26073778; PubMed 26541327; PubMed 27789416; PubMed 28031453.